The following is an entry in ClinVar:

ClinVar aggregate classification (germline): Uncertain significance. Review status: criteria provided, multiple submitters, no conflicts (2 of 4 stars). 2 submissions from 2 submitters: Uncertain significance (2). Last evaluated 2025-07-28.

Conditions:
Spastic paraplegia. Identifiers: MedGen C0037772, HP:0001258.

Allele frequency attached by ClinVar (database versions not stated): gnomAD exomes below 0.00001.
gnomAD v4.1: 2 of 1,542,162 alleles (0.00013%); highest among the groups gnomAD compares: African/African-American, 0.0014%; no homozygotes.

Submissions (2):

Labcorp Genetics (formerly Invitae), Labcorp
Classification: Uncertain significance for Spastic paraplegia. Last evaluated: 2025-07-28. Review status: criteria provided, single submitter. Criteria: Invitae Variant Classification Sherloc (09022015). Collection method: clinical testing. Allele origin: germline.
Comment: This sequence change replaces asparagine, which is neutral and polar, with threonine, which is neutral and polar, at codon 208 of the HSPD1 protein (p.Asn208Thr). This variant is present in population databases (no rsID available, gnomAD no frequency). This variant has not been reported in the literature in individuals affected with HSPD1-related conditions. ClinVar contains an entry for this variant (Variation ID: 2185788). Invitae Evidence Modeling of protein sequence and biophysical properties (such as structural, functional, and spatial information, amino acid conservation, physicochemical variation, residue mobility, and thermodynamic stability) indicates that this missense variant is not expected to disrupt HSPD1 protein function with a negative predictive value of 80%. In summary, the available evidence is currently insufficient to determine the role of this variant in disease. Therefore, it has been classified as a Variant of Uncertain Significance.

Revvity Omics, Revvity
Classification: Uncertain significance. Last evaluated: 2021-02-12. Review status: criteria provided, single submitter. Criteria: ACMG Guidelines, 2015. Collection method: clinical testing. Allele origin: germline.

NM_002156.5(HSPD1):c.623A>C (p.Asn208Thr)

Gene: HSPD1 (heat shock protein family D (Hsp60) member 1; minus strand). Cytogenetic location: 2q33.1.
Variant type: single nucleotide variant.
Coding change: c.623A>C on transcript NM_002156.5 (MANE Select); coding-DNA position 623, A replaced by C.
Protein change: p.Asn208Thr; replaces asparagine 208 with threonine.
Molecular consequence: missense variant.
Genome position (GRCh38, 1-based): chr2:197,494,234, T>G on the plus strand (A>C on the coding strand, the complement: HSPD1 is on the minus strand). VCF-style: chr2-197494234-T-G. GRCh37 (hg19) VCF-style: chr2-198358958-T-G.
Other names: c.623A>C, p.Asn208Thr (NM_199440.2); c.623A>C (NM_002156.4); short protein forms N208T.
Identifiers: ClinVar variation 2185788 (VCV002185788.7), dbSNP rs1205193922, ClinGen allele CA350202102.